The following is an entry in ClinVar:

ClinVar aggregate classification (germline): Uncertain significance (1 of 4 stars; one submission).

Submission:

GeneDx
Classification: Uncertain significance. Last evaluated: 2024-04-12. Review status: criteria provided, single submitter. Criteria: GeneDx Variant Classification Process June 2021. Collection method: clinical testing. Allele origin: germline. Affected: yes.
Comment: Not observed at significant frequency in large population cohorts (gnomAD); In silico analysis supports that this missense variant has a deleterious effect on protein structure/function; Has not been previously published as pathogenic or benign to our knowledge

NM_001130438.3(SPTAN1):c.4229A>C (p.His1410Pro)

Gene: SPTAN1 (spectrin alpha, non-erythrocytic 1; plus strand). Cytogenetic location: 9q34.11.
Variant type: single nucleotide variant.
Coding change: c.4229A>C on transcript NM_001130438.3 (MANE Select); coding-DNA position 4229, A replaced by C.
Protein change: p.His1410Pro; replaces histidine 1410 with proline.
Molecular consequence: missense variant.
Genome position (GRCh38, 1-based): chr9:128,607,934, A>C. VCF-style: chr9-128607934-A-C. GRCh37 (hg19) VCF-style: chr9-131370213-A-C.
Other names: c.4169A>C, p.His1390Pro (NM_001195532.2, NM_001363765.2, NM_001375314.2); c.4229A>C, p.His1410Pro (NM_001363759.2, NM_001375310.1, NM_001375311.2 and 2 more transcripts); c.4265A>C, p.His1422Pro (NM_001375312.2, NM_001375318.1); short protein forms H1390P, H1410P, H1422P.
Identifiers: ClinVar variation 3372078 (VCV003372078.1).
Genomic context (GRCh38, chr9:128,607,934, plus strand): 5'-CCAGGGCTGGCACTTTCCAGGCATTTGAGCAGTTTGGACAGCAGCTGTTGGCTCACGGAC[A>C]CTATGCCAGCCCTGAGATCAAGCAGAAACTTGATATTCTTGACCAGGAGCGTGCAGACCT-3'
Protein context (NP_001123910.1, residues 1400-1420): QFGQQLLAHG[His1410Pro]YASPEIKQKL